The following is an entry in ClinVar:

NM_001330691.3(CEP78):c.512G>T (p.Gly171Val)

Gene: CEP78 (centrosomal protein 78; plus strand). Cytogenetic location: 9q21.2.
Variant type: single nucleotide variant.
Coding change: c.512G>T on transcript NM_001330691.3 (MANE Select); coding-DNA position 512, G replaced by T.
Protein change: p.Gly171Val; replaces glycine 171 with valine.
Molecular consequence: missense variant.
Genome position (GRCh38, 1-based): chr9:78,241,708, G>T. VCF-style: chr9-78241708-G-T. GRCh37 (hg19) VCF-style: chr9-80856624-G-T.
Other names: c.512G>T, p.Gly171Val (NM_001098802.3, NM_001330693.3, NM_001330694.2 and 4 more transcripts); short protein forms G171V.
Identifiers: ClinVar variation 1019253 (VCV001019253.7), dbSNP rs757714365, ClinGen allele CA5094949.

ClinVar aggregate classification (germline): Uncertain significance. Review status: criteria provided, multiple submitters, no conflicts (2 of 4 stars). 2 submissions from 2 submitters: Uncertain significance (2). Last evaluated 2024-07-05.

Allele frequency attached by ClinVar (database versions not stated): ExAC 0.00002; TOPMed 0.00002; gnomAD 0.00003 and 0.00004; gnomAD exomes 0.00003.
gnomAD v4.1: 68 of 1,577,480 alleles (0.0043%); highest among the groups gnomAD compares: Non-Finnish European, 0.0055%; no homozygotes.

Submissions (2):

Blueprint Genetics
Classification: Uncertain significance. Last evaluated: 2024-07-05. Review status: criteria provided, single submitter. Criteria: ACMG Guidelines, 2015. Collection method: clinical testing. Allele origin: germline.

Labcorp Genetics (formerly Invitae), Labcorp
Classification: Uncertain significance. Last evaluated: 2022-06-20. Review status: criteria provided, single submitter. Criteria: Invitae Variant Classification Sherloc (09022015). Collection method: clinical testing. Allele origin: germline.
Comment: This sequence change replaces glycine, which is neutral and non-polar, with valine, which is neutral and non-polar, at codon 171 of the CEP78 protein (p.Gly171Val). This variant is present in population databases (rs757714365, gnomAD 0.008%). This variant has not been reported in the literature in individuals affected with CEP78-related conditions. ClinVar contains an entry for this variant (Variation ID: 1019253). Algorithms developed to predict the effect of missense changes on protein structure and function are either unavailable or do not agree on the potential impact of this missense change (SIFT: "Tolerated"; PolyPhen-2: "Probably Damaging"; Align-GVGD: "Class C0"). In summary, the available evidence is currently insufficient to determine the role of this variant in disease. Therefore, it has been classified as a Variant of Uncertain Significance.